The following is an entry in ClinVar:

ClinVar aggregate classification (germline): Likely pathogenic (1 of 4 stars; one submission).

gnomAD v4.1: 1 of 1,614,116 alleles (0.000062%); highest among the groups gnomAD compares: Non-Finnish European, 0.000085%; no homozygotes.

Submission:

Labcorp Genetics (formerly Invitae), Labcorp
Classification: Likely pathogenic. Last evaluated: 2022-05-27. Review status: criteria provided, single submitter. Criteria: Invitae Variant Classification Sherloc (09022015). Collection method: clinical testing. Allele origin: germline.
Comment: In summary, the currently available evidence indicates that the variant is pathogenic, but additional data are needed to prove that conclusively. Therefore, this variant has been classified as Likely Pathogenic. Algorithms developed to predict the effect of sequence changes on RNA splicing suggest that this variant may disrupt the consensus splice site. This variant has not been reported in the literature in individuals affected with RARS2-related conditions. This variant is not present in population databases (gnomAD no frequency). This sequence change affects a donor splice site in intron 9 of the RARS2 gene. It is expected to disrupt RNA splicing. Variants that disrupt the donor or acceptor splice site typically lead to a loss of protein function (PMID: 16199547), and loss-of-function variants in RARS2 are known to be pathogenic (PMID: 17847012, 22569581, 26083569).

Literature cited by the submitters: PubMed 16199547; PubMed 17847012; PubMed 22569581; PubMed 26083569.

NM_020320.5(RARS2):c.771+1G>A

Gene: RARS2 (arginyl-tRNA synthetase 2, mitochondrial; minus strand). Cytogenetic location: 6q15.
Variant type: single nucleotide variant.
Coding change: c.771+1G>A on transcript NM_020320.5 (MANE Select); the canonical splice donor site of the intron after coding-DNA position 771, G replaced by A.
Molecular consequence: splice donor variant.
Genome position (GRCh38, 1-based): chr6:87,530,783, C>T on the plus strand (G>A on the coding strand, the complement: RARS2 is on the minus strand). VCF-style: chr6-87530783-C-T. GRCh37 (hg19) VCF-style: chr6-88240501-C-T.
Other names: c.771+1G>A (NM_001350505.2); c.246+1G>A (NM_001350509.2, NM_001318785.2, NM_001350506.2 and 4 more transcripts).
Identifiers: ClinVar variation 1510179 (VCV001510179.6), dbSNP rs1011716245, ClinGen allele CA364929101.